The following is an entry in ClinVar:

ClinVar aggregate classification (germline): Benign/Likely benign. Review status: criteria provided, multiple submitters, no conflicts (2 of 4 stars). 3 submissions from 3 submitters: Benign (2); Likely benign (1). Last evaluated 2025-11-27.

Conditions:
Predisposition to invasive fungal disease due to CARD9 deficiency (IMD103). Also called: CARD9 IMMUNODEFICIENCY; IMMUNODEFICIENCY 103, SUSCEPTIBILITY TO FUNGAL INFECTIONS; Candidiasis, familial, 2, autosomal recessive. Identifiers: Orphanet 457088, MedGen C1859353, MONDO:0008905, OMIM 212050.

Allele frequency attached by ClinVar (database versions not stated): gnomAD 0.00035 and 0.00048; TOPMed 0.00045; 1000 Genomes Project 30x 0.00281; 1000 Genomes Project 0.00319.

Submissions (3):

Labcorp Genetics (formerly Invitae), Labcorp
Classification: Benign for Predisposition to invasive fungal disease due to CARD9 deficiency. Last evaluated: 2025-11-27. Review status: criteria provided, single submitter. Criteria: Invitae Variant Classification Sherloc (09022015). Collection method: clinical testing. Allele origin: germline.

Blueprint Genetics
Classification: Likely benign. Last evaluated: 2024-10-03. Review status: criteria provided, single submitter. Criteria: ACMG Guidelines, 2015. Collection method: clinical testing. Allele origin: germline.

Illumina Laboratory Services, Illumina
Classification: Benign for Predisposition to invasive fungal disease due to CARD9 deficiency. Last evaluated: 2018-01-13. Review status: criteria provided, single submitter. Criteria: ICSL Variant Classification Criteria 13 December 2019. Collection method: clinical testing. Allele origin: germline.
Comment: This variant was observed in the ICSL laboratory as part of a predisposition screen in an ostensibly healthy population. It had not been previously curated by ICSL or reported in the Human Gene Mutation Database (HGMD: prior to June 1st, 2018), and was therefore a candidate for classification through an automated scoring system. Utilizing variant allele frequency, disease prevalence and penetrance estimates, and inheritance mode, an automated score was calculated to assess if this variant is too frequent to cause the disease. Based on the score and internal cut-off values, a variant classified as benign is not then subjected to further curation. The score for this variant resulted in a classification of benign for this disease.

NM_052813.5(CARD9):c.808-11G>T

Gene: CARD9 (caspase recruitment domain family member 9; minus strand). Cytogenetic location: 9q34.3.
Variant type: single nucleotide variant.
Coding change: c.808-11G>T on transcript NM_052813.5 (MANE Select); 11 bases into the intron before coding-DNA position 808, G replaced by T.
Molecular consequence: intron variant.
Genome position (GRCh38, 1-based): chr9:136,370,448, C>A on the plus strand (G>T on the coding strand, the complement: CARD9 is on the minus strand). VCF-style: chr9-136370448-C-A. GRCh37 (hg19) VCF-style: chr9-139264900-C-A.
Other names: c.808-11G>T (NM_052814.4).
Identifiers: ClinVar variation 365846 (VCV000365846.13), dbSNP rs528166226, ClinGen allele CA5332966.